The following is an entry in ClinVar:

NM_006206.6(PDGFRA):c.1717A>T (p.Ile573Phe)

Gene: PDGFRA (platelet derived growth factor receptor alpha; plus strand). Cytogenetic location: 4q12.
Variant type: single nucleotide variant.
Coding change: c.1717A>T on transcript NM_006206.6 (MANE Select); coding-DNA position 1717, A replaced by T.
Protein change: p.Ile573Phe; replaces isoleucine 573 with phenylalanine.
Molecular consequence: missense variant.
Genome position (GRCh38, 1-based): chr4:54,274,904, A>T. VCF-style: chr4-54274904-A-T. GRCh37 (hg19) VCF-style: chr4-55141071-A-T.
Other names: c.1717A>T, p.Ile573Phe (NM_001347827.2, NM_001347829.2); c.1792A>T, p.Ile598Phe (NM_001347828.2); c.1756A>T, p.Ile586Phe (NM_001347830.2); short protein forms I573F, I586F, I598F.
Identifiers: ClinVar variation 1348270 (VCV001348270.8), dbSNP rs1723636164, ClinGen allele CA356893158.

ClinVar aggregate classification (germline): Uncertain significance (1 of 4 stars; one submission).

Conditions:
Gastrointestinal stromal tumor. Also called: Gastrointestinal stroma tumor; Gastrointestinal stromal tumor, somatic. Identifiers: Orphanet 44890, MedGen C0238198, MeSH D046152, MONDO:0011719, OMIM 606764, HP:0100723.

Submission:

Labcorp Genetics (formerly Invitae), Labcorp
Classification: Uncertain significance for Gastrointestinal stromal tumor. Last evaluated: 2022-10-04. Review status: criteria provided, single submitter. Criteria: Invitae Variant Classification Sherloc (09022015). Collection method: clinical testing. Allele origin: germline.
Comment: Advanced modeling of protein sequence and biophysical properties (such as structural, functional, and spatial information, amino acid conservation, physicochemical variation, residue mobility, and thermodynamic stability) performed at Invitae indicates that this missense variant is not expected to disrupt PDGFRA protein function. In summary, the available evidence is currently insufficient to determine the role of this variant in disease. Therefore, it has been classified as a Variant of Uncertain Significance. ClinVar contains an entry for this variant (Variation ID: 1348270). This variant has not been reported in the literature in individuals affected with PDGFRA-related conditions. This variant is not present in population databases (gnomAD no frequency). This sequence change replaces isoleucine, which is neutral and non-polar, with phenylalanine, which is neutral and non-polar, at codon 573 of the PDGFRA protein (p.Ile573Phe).